The following is an entry in ClinVar:

NM_194248.3(OTOF):c.5813+9C>T

Gene: OTOF (otoferlin; minus strand). Cytogenetic location: 2p23.3.
Variant type: single nucleotide variant.
Coding change: c.5813+9C>T on transcript NM_194248.3 (MANE Select); 9 bases into the intron after coding-DNA position 5813, C replaced by T.
Molecular consequence: intron variant.
Genome position (GRCh38, 1-based): chr2:26,460,638, G>A on the plus strand (C>T on the coding strand, the complement: OTOF is on the minus strand). VCF-style: chr2-26460638-G-A. GRCh37 (hg19) VCF-style: chr2-26683506-G-A.
Other names: c.5813+9C>T (NM_001287489.2); c.3512+9C>T (NM_194323.3, NM_004802.4); c.3743+9C>T (NM_194322.3).
Identifiers: ClinVar variation 514686 (VCV000514686.4), dbSNP rs1328837186, ClinGen allele CA531761610.

ClinVar aggregate classification (germline): Likely benign. Review status: criteria provided, multiple submitters, no conflicts (2 of 4 stars). 2 submissions from 2 submitters: Likely benign (2). Last evaluated 2023-03-04.

Allele frequency attached by ClinVar (database versions not stated): gnomAD exomes below 0.00001.
gnomAD v4.1: 2 of 1,609,638 alleles (0.00012%); highest among the groups gnomAD compares: Admixed American, 0.0017%; no homozygotes.

Submissions (2):

Labcorp Genetics (formerly Invitae), Labcorp
Classification: Likely benign. Last evaluated: 2023-03-04. Review status: criteria provided, single submitter. Criteria: Invitae Variant Classification Sherloc (09022015). Collection method: clinical testing. Allele origin: germline.

GeneDx
Classification: Likely benign. Last evaluated: 2018-01-17. Review status: criteria provided, single submitter. Criteria: GeneDx Variant Classification (06012015). Collection method: clinical testing. Allele origin: germline. Affected: yes.
Comment: This variant is considered likely benign or benign based on one or more of the following criteria: it is a conservative change, it occurs at a poorly conserved position in the protein, it is predicted to be benign by multiple in silico algorithms, and/or has population frequency not consistent with disease.